The following is an entry in ClinVar:

ClinVar aggregate classification (germline): Benign/Likely benign. Review status: criteria provided, multiple submitters, no conflicts (2 of 4 stars). 5 submissions from 5 submitters: Benign (2); Likely benign (2). 1 of the submissions does not count toward it. Last evaluated 2026-04-01.

Conditions:
SPEG-related disorder. Also called: SPEG-related condition.

Allele frequency attached by ClinVar (database versions not stated): gnomAD 0.00008 and 0.00011; TOPMed 0.00017; 1000 Genomes Project 0.00020; 1000 Genomes Project 30x 0.00031.
gnomAD v4.1: 197 of 1,594,522 alleles (0.012%); highest among the groups gnomAD compares: Middle Eastern, 0.1%; 1 homozygote.

Submissions (5):

CeGaT Center for Human Genetics Tuebingen
Classification: Likely benign. Last evaluated: 2026-04-01. Review status: criteria provided, single submitter. Criteria: CeGaT Center For Human Genetics Tuebingen Variant Classification Criteria Version 2. Collection method: clinical testing. Allele origin: germline. Affected: yes. Observed: 1 variant allele.
Comment: SPEG: BP4, BP7

Labcorp Genetics (formerly Invitae), Labcorp
Classification: Benign. Last evaluated: 2026-01-27. Review status: criteria provided, single submitter. Criteria: Invitae Variant Classification Sherloc (09022015). Collection method: clinical testing. Allele origin: germline.

Blueprint Genetics
Classification: Likely benign. Last evaluated: 2024-03-01. Review status: criteria provided, single submitter. Criteria: ACMG Guidelines, 2015. Collection method: clinical testing. Allele origin: germline.

Breakthrough Genomics
Classification: Benign. Review status: criteria provided, single submitter. Criteria: ACMG Guidelines, 2015. Collection method: not provided. Allele origin: germline. Inheritance: Autosomal recessive inheritance. Affected: yes.

PreventionGenetics, part of Exact Sciences
Classification: Likely benign for SPEG-related condition. Last evaluated: 2019-09-05. Review status: no assertion criteria provided. Collection method: clinical testing. Allele origin: germline. Not counted in ClinVar's aggregate classification.
Comment: This variant is classified as likely benign based on ACMG/AMP sequence variant interpretation guidelines (Richards et al. 2015 PMID: 25741868, with internal and published modifications).

NM_005876.5(SPEG):c.8079G>A (p.Thr2693=)

Genes: ASIC4-AS1 (ASIC4 antisense RNA 1; minus strand), SPEG (striated muscle enriched protein kinase; plus strand). Cytogenetic location: 2q35.
Variant type: single nucleotide variant.
Coding change: c.8079G>A on transcript NM_005876.5 (MANE Select); coding-DNA position 8079, G replaced by A.
Protein change: p.Thr2693=; no amino-acid change (threonine 2693 retained).
Molecular consequence: synonymous variant.
Genome position (GRCh38, 1-based): chr2:219,488,830, G>A. VCF-style: chr2-219488830-G-A. GRCh37 (hg19) VCF-style: chr2-220353552-G-A.
Other names: c.8079G>A (NM_005876.4).
Identifiers: ClinVar variation 1600981 (VCV001600981.14), dbSNP rs200286305, ClinGen allele CA2127385.
Genomic context (GRCh38, chr2:219,488,830, plus strand): 5'-CTTGCCAGGAGTCCCAGGAAAGCTAGCTCCTCCAGAGGTACCCCAGACCTACCAGGACAC[G>A]GCGCTGGTGCTGTGGAAGCCGGGAGACAGCCGGGCACCTTGCACGTATACGCTGGAGCGG-3'
Protein context (NP_005867.3, residues 2683-2703): PPEVPQTYQD[Thr2693=]ALVLWKPGDS